The following is an entry in ClinVar:

NM_002181.4(IHH):c.200A>G (p.Tyr67Cys)

Gene: IHH (Indian hedgehog signaling molecule; minus strand). Cytogenetic location: 2q35.
Variant type: single nucleotide variant.
Coding change: c.200A>G on transcript NM_002181.4 (MANE Select); coding-DNA position 200, A replaced by G.
Protein change: p.Tyr67Cys; replaces tyrosine 67 with cysteine.
Molecular consequence: missense variant.
Genome position (GRCh38, 1-based): chr2:219,060,268, T>C on the plus strand (A>G on the coding strand, the complement: IHH is on the minus strand). VCF-style: chr2-219060268-T-C. GRCh37 (hg19) VCF-style: chr2-219924990-T-C.
Other names: c.200A>G (NM_002181.3); short protein forms Y67C.
Identifiers: ClinVar variation 2056107 (VCV002056107.5), dbSNP rs768675737, ClinGen allele CA2116755.
Genomic context (GRCh38, chr2:219,060,268, plus strand): 5'-GGATTGTAATTGGGGGTGAGCTCCTTGAAGCGCTCGGAGCTGCGAGCGATCTTGCCTTCA[T>C]AGCGTCCGCTGGCGCCCAGGGTCTTCTCGGGCACATTGGGGCTGAACTGCTTGTAGGCGA-3'
Protein context (NP_002172.2, residues 57-77): PEKTLGASGR[Tyr67Cys]EGKIARSSER

ClinVar aggregate classification (germline): Uncertain significance. Review status: criteria provided, multiple submitters, no conflicts (2 of 4 stars). 2 submissions from 2 submitters: Uncertain significance (2). Last evaluated 2026-09-10.

Conditions:
Inborn genetic diseases. Identifiers: MedGen C0950123, MeSH D030342.

Allele frequency attached by ClinVar (database versions not stated): gnomAD 0.00001; TOPMed 0.00002; ExAC 0.00003; gnomAD exomes 0.00001.

Submissions (2):

Ambry Genetics
Classification: Uncertain significance for Inborn genetic diseases. Last evaluated: 2026-09-10. Review status: criteria provided, single submitter. Criteria: Ambry Variant Classification Scheme 2023. Collection method: clinical testing. Allele origin: germline.

Labcorp Genetics (formerly Invitae), Labcorp
Classification: Uncertain significance. Last evaluated: 2023-01-31. Review status: criteria provided, single submitter. Criteria: Invitae Variant Classification Sherloc (09022015). Collection method: clinical testing. Allele origin: germline.
Comment: In summary, the available evidence is currently insufficient to determine the role of this variant in disease. Therefore, it has been classified as a Variant of Uncertain Significance. Advanced modeling of protein sequence and biophysical properties (such as structural, functional, and spatial information, amino acid conservation, physicochemical variation, residue mobility, and thermodynamic stability) performed at Invitae indicates that this missense variant is expected to disrupt IHH protein function. This variant has not been reported in the literature in individuals affected with IHH-related conditions. This variant is present in population databases (rs768675737, gnomAD 0.03%). This sequence change replaces tyrosine, which is neutral and polar, with cysteine, which is neutral and slightly polar, at codon 67 of the IHH protein (p.Tyr67Cys).